The following is an entry in ClinVar:

ClinVar aggregate classification (germline): Uncertain significance (1 of 4 stars; one submission).

Submission:

Labcorp Genetics (formerly Invitae), Labcorp
Classification: Uncertain significance. Last evaluated: 2022-07-12. Review status: criteria provided, single submitter. Criteria: Invitae Variant Classification Sherloc (09022015). Collection method: clinical testing. Allele origin: germline.
Comment: This sequence change replaces valine, which is neutral and non-polar, with glycine, which is neutral and non-polar, at codon 220 of the RP1 protein (p.Val220Gly). This variant is not present in population databases (gnomAD no frequency). This variant has not been reported in the literature in individuals affected with RP1-related conditions. ClinVar contains an entry for this variant (Variation ID: 1485243). Algorithms developed to predict the effect of missense changes on protein structure and function (SIFT, PolyPhen-2, Align-GVGD) all suggest that this variant is likely to be disruptive. In summary, the available evidence is currently insufficient to determine the role of this variant in disease. Therefore, it has been classified as a Variant of Uncertain Significance.

NM_006269.2(RP1):c.659T>G (p.Val220Gly)

Gene: RP1 (RP1 axonemal microtubule associated; plus strand). Cytogenetic location: 8q12.1.
Variant type: single nucleotide variant.
Coding change: c.659T>G on transcript NM_006269.2 (MANE Select); coding-DNA position 659, T replaced by G.
Protein change: p.Val220Gly; replaces valine 220 with glycine.
Molecular consequence: missense variant.
Genome position (GRCh38, 1-based): chr8:54,622,160, T>G. VCF-style: chr8-54622160-T-G. GRCh37 (hg19) VCF-style: chr8-55534720-T-G.
Other names: c.659T>G, p.Val220Gly (NM_001375654.1); short protein forms V220G.
Identifiers: ClinVar variation 1485243 (VCV001485243.8), dbSNP rs2129314757, ClinGen allele CA370987917.
Genomic context (GRCh38, chr8:54,622,160, plus strand): 5'-ACTCTGGTCTCTTTTAGGTTCCCAGCCTCCAGGCAGTGATCCTGAGCTCTGGAGCTGTGG[T>G]GGCGGCAGGAAGGGAGCCATTTAAACCAGGAAATTATGACATCCAAAAATACTTGCTTCC-3'
Protein context (NP_006260.1, residues 210-230): QAVILSSGAV[Val220Gly]AAGREPFKPG